The following is an entry in ClinVar:

ClinVar aggregate classification (germline): Uncertain significance. Review status: criteria provided, multiple submitters, no conflicts (2 of 4 stars). 2 submissions from 2 submitters: Uncertain significance (2). Last evaluated 2024-06-15.

Conditions:
Bardet-Biedl syndrome 15 (BBS15). Identifiers: Orphanet 110, MedGen C3150127, MONDO:0014443, OMIM 615992.
Heart defect - tongue hamartoma - polysyndactyly syndrome. Also called: Congenital heart defects, hamartomas of tongue, and polysyndactyly. Identifiers: Orphanet 1338, MedGen C1857587, MONDO:0009008, OMIM 217085.
Bardet-Biedl syndrome (BBS). Identifiers: Orphanet 110, MedGen C0752166, MONDO:0015229.

Submissions (2):

Fulgent Genetics
Classification: Uncertain significance for Heart defect - tongue hamartoma - polysyndactyly syndrome; Bardet-Biedl syndrome 15. Last evaluated: 2024-06-15. Review status: criteria provided, single submitter. Criteria: ACMG Guidelines, 2015. Collection method: clinical testing. Allele origin: germline.

Labcorp Genetics (formerly Invitae), Labcorp
Classification: Uncertain significance for Bardet-Biedl syndrome. Last evaluated: 2022-02-28. Review status: criteria provided, single submitter. Criteria: Invitae Variant Classification Sherloc (09022015). Collection method: clinical testing. Allele origin: germline.
Comment: In summary, the available evidence is currently insufficient to determine the role of this variant in disease. Therefore, it has been classified as a Variant of Uncertain Significance. Algorithms developed to predict the effect of sequence changes on RNA splicing suggest that this variant may create or strengthen a splice site. This variant has not been reported in the literature in individuals affected with WDPCP-related conditions. This variant is not present in population databases (gnomAD no frequency). This sequence change affects codon 218 of the WDPCP mRNA. It is a 'silent' change, meaning that it does not change the encoded amino acid sequence of the WDPCP protein.

NM_015910.7(WDPCP):c.654C>A (p.Pro218=)

Gene: WDPCP (WD repeat containing planar cell polarity effector; minus strand). Cytogenetic location: 2p15.
Variant type: single nucleotide variant.
Coding change: c.654C>A on transcript NM_015910.7 (MANE Select); coding-DNA position 654, C replaced by A.
Protein change: p.Pro218=; no amino-acid change (proline 218 retained).
Molecular consequence: synonymous variant. On other transcripts: non-coding transcript variant (3).
Genome position (GRCh38, 1-based): chr2:63,433,916, G>T on the plus strand (C>A on the coding strand, the complement: WDPCP is on the minus strand). VCF-style: chr2-63433916-G-T. GRCh37 (hg19) VCF-style: chr2-63661050-G-T.
Other names: c.177C>A, p.Pro59= (NM_001042692.3); c.582C>A, p.Pro194= (NM_001354044.2); c.654C>A, p.Pro218= (NM_001354045.2).
Identifiers: ClinVar variation 1955442 (VCV001955442.6), dbSNP rs375737055, ClinGen allele CA426381931.
Genomic context (GRCh38, chr2:63,433,916, plus strand): 5'-AACTCTATCATGAACACAGTTGATAGCTAGATGTCGCTCTGTTGTCTTGTTTATTGGGCC[G>T]GGTATTTCATAATAGAAAATCTAACAATTTTAAAAAAGCATACATGAAACATTTCTTTTA-3'
Protein context (NP_056994.3, residues 208-228): LDYKIFYYEI[Pro218=]GPINKTTERH